The following is an entry in ClinVar:

NM_000051.4(ATM):c.2356T>C (p.Cys786Arg)

Gene: ATM (ATM serine/threonine kinase; plus strand). Cytogenetic location: 11q22.3.
Variant type: single nucleotide variant.
Coding change: c.2356T>C on transcript NM_000051.4 (MANE Select); coding-DNA position 2356, T replaced by C.
Protein change: p.Cys786Arg; replaces cysteine 786 with arginine.
Molecular consequence: missense variant.
Genome position (GRCh38, 1-based): chr11:108,257,586, T>C. VCF-style: chr11-108257586-T-C. GRCh37 (hg19) VCF-style: chr11-108128313-T-C.
Other names: c.2356T>C, p.Cys786Arg (NM_001351834.2); short protein forms C786R.
Identifiers: ClinVar variation 578153 (VCV000578153.9), dbSNP rs1565397441, ClinGen allele CA382540296.

ClinVar aggregate classification (germline): Uncertain significance. Review status: criteria provided, multiple submitters, no conflicts (2 of 4 stars). 3 submissions from 3 submitters: Uncertain significance (3). Last evaluated 2025-10-24.

Conditions:
Ataxia-telangiectasia syndrome (AT). Also called: Cerebello-oculocutaneous telangiectasia; Immunodeficiency with ataxia telangiectasia; Ataxia telangiectasia (A-T); Ataxia-telangiectasia, complementation group E; LOUIS-BAR SYNDROME; Ataxia-telangiectasia. Identifiers: Orphanet 100, MedGen C0004135, MONDO:0008840, OMIM 208900.
Hereditary cancer-predisposing syndrome. Also called: Hereditary neoplastic syndrome; Tumor predisposition; Hereditary Cancer Syndrome; Neoplastic Syndromes, Hereditary. Identifiers: Orphanet 140162, MedGen C0027672, MeSH D009386, MONDO:0015356.

Submissions (3):

Ambry Genetics
Classification: Uncertain significance for Hereditary cancer-predisposing syndrome. Last evaluated: 2025-10-24. Review status: criteria provided, single submitter. Criteria: Ambry Variant Classification Scheme 2023. Collection method: clinical testing. Allele origin: germline.
Comment: The p.C786R variant (also known as c.2356T>C), located in coding exon 14 of the ATM gene, results from a T to C substitution at nucleotide position 2356. The cysteine at codon 786 is replaced by arginine, an amino acid with highly dissimilar properties. In an assay testing ATM function, this variant showed a functionally indeterminant result (Lee KS et al. Cell, 2025 Sep;188:5081-5099.e27). This amino acid position is well conserved in available vertebrate species. In addition, the in silico prediction for this alteration is inconclusive. Based on the available evidence, the clinical significance of this variant remains unclear.

Quest Diagnostics Nichols Institute San Juan Capistrano
Classification: Uncertain significance. Last evaluated: 2024-08-29. Review status: criteria provided, single submitter. Criteria: Quest Diagnostics criteria. Collection method: clinical testing. Allele origin: unknown.
Comment: The ATM c.2356T>C (p.Cys786Arg) variant has not been reported in individuals with ATM-related conditions in the published literature. It also has not been reported in large, multi-ethnic general populations (Genome Aggregation Database). Analysis of this variant using bioinformatics tools for the prediction of the effect of amino acid changes on protein structure and function yielded predictions that this variant is benign. Based on the available information, we are unable to determine the clinical significance of this variant.

Labcorp Genetics (formerly Invitae), Labcorp
Classification: Uncertain significance for Ataxia-telangiectasia syndrome. Last evaluated: 2021-04-21. Review status: criteria provided, single submitter. Criteria: Invitae Variant Classification Sherloc (09022015). Collection method: clinical testing. Allele origin: germline.
Comment: This sequence change replaces cysteine with arginine at codon 786 of the ATM protein (p.Cys786Arg). The cysteine residue is moderately conserved and there is a large physicochemical difference between cysteine and arginine. This variant is not present in population databases (ExAC no frequency). This variant has not been reported in the literature in individuals with ATM-related disease. Algorithms developed to predict the effect of missense changes on protein structure and function do not agree on the potential impact of this missense change (SIFT: "Tolerated"; PolyPhen-2: "Possibly Damaging"; Align-GVGD: "Class C0"). In summary, the available evidence is currently insufficient to determine the role of this variant in disease. Therefore, it has been classified as a Variant of Uncertain Significance.

Literature cited by the submitters: PubMed 40580951 (cited by Ambry Genetics).